The following is an entry in ClinVar:

ClinVar aggregate classification (germline): Uncertain significance (1 of 4 stars; one submission).

Conditions:
Vici syndrome (VICIS). Identifiers: Orphanet 1493, MedGen C1855772, MONDO:0009452, OMIM 242840.

Allele frequency attached by ClinVar (database versions not stated): ExAC 0.00001; gnomAD exomes 0.00001 and 0.00004; TOPMed 0.00001; gnomAD 0.00002; ESP Exome Variant Server 0.00008.
gnomAD v4.1: 65 of 1,614,044 alleles (0.004%); highest among the groups gnomAD compares: Non-Finnish European, 0.0054%; no homozygotes.

Submission:

Labcorp Genetics (formerly Invitae), Labcorp
Classification: Uncertain significance for Vici syndrome. Last evaluated: 2024-10-25. Review status: criteria provided, single submitter. Criteria: Invitae Variant Classification Sherloc (09022015). Collection method: clinical testing. Allele origin: germline.
Comment: This sequence change replaces methionine, which is neutral and non-polar, with isoleucine, which is neutral and non-polar, at codon 727 of the EPG5 protein (p.Met727Ile). This variant is present in population databases (rs370714624, gnomAD 0.002%). This variant has not been reported in the literature in individuals affected with EPG5-related conditions. ClinVar contains an entry for this variant (Variation ID: 1393050). Invitae Evidence Modeling of protein sequence and biophysical properties (such as structural, functional, and spatial information, amino acid conservation, physicochemical variation, residue mobility, and thermodynamic stability) has been performed for this missense variant. However, the output from this modeling did not meet the statistical confidence thresholds required to predict the impact of this variant on EPG5 protein function. In summary, the available evidence is currently insufficient to determine the role of this variant in disease. Therefore, it has been classified as a Variant of Uncertain Significance.

NM_020964.3(EPG5):c.2181G>A (p.Met727Ile)

Gene: EPG5 (ectopic P-granules 5 autophagy tethering factor; minus strand). Cytogenetic location: 18q21.1.
Variant type: single nucleotide variant.
Coding change: c.2181G>A on transcript NM_020964.3 (MANE Select); coding-DNA position 2181, G replaced by A.
Protein change: p.Met727Ile; replaces methionine 727 with isoleucine.
Molecular consequence: missense variant.
Genome position (GRCh38, 1-based): chr18:45,934,885, C>T on the plus strand (G>A on the coding strand, the complement: EPG5 is on the minus strand). VCF-style: chr18-45934885-C-T. GRCh37 (hg19) VCF-style: chr18-43514851-C-T.
Other names: short protein forms M727I.
Identifiers: ClinVar variation 1393050 (VCV001393050.8), dbSNP rs370714624, ClinGen allele CA8949497.